The following is an entry in ClinVar:

ClinVar aggregate classification (germline): Conflicting classifications of pathogenicity. Review status: criteria provided, conflicting classifications (1 of 4 stars). 8 submissions from 8 submitters: Uncertain significance (6); Benign (1); Likely benign (1). Last evaluated 2025-11-19.

Conditions:
Epiphyseal dysplasia, multiple, 2 (EDM2). Also called: COL9A2-Related Multiple Epiphyseal Dysplasia. Identifiers: MedGen C1838429, MONDO:0010844, OMIM 600204.
Stickler syndrome, type 5 (STL5). Also called: COL9A2-Related Stickler Syndrome. Identifiers: Orphanet 250984, Orphanet 828, MedGen C3280342, MONDO:0013666, OMIM 614284.
Inborn genetic diseases. Identifiers: MedGen C0950123, MeSH D030342.

Allele frequency attached by ClinVar (database versions not stated): gnomAD exomes 0.00003 and 0.00006; ExAC 0.00009; ESP Exome Variant Server 0.00023; TOPMed 0.00031; gnomAD 0.00051; 1000 Genomes Project 30x 0.00078; 1000 Genomes Project 0.00080.

Submissions (8):

Ambry Genetics
Classification: Uncertain significance for Inborn genetic diseases. Last evaluated: 2025-11-19. Review status: criteria provided, single submitter. Criteria: Ambry Variant Classification Scheme 2023. Collection method: clinical testing. Allele origin: germline.

Labcorp Genetics (formerly Invitae), Labcorp
Classification: Likely benign. Last evaluated: 2025-11-18. Review status: criteria provided, single submitter. Criteria: Invitae Variant Classification Sherloc (09022015). Collection method: clinical testing. Allele origin: germline.

Blueprint Genetics
Classification: Benign. Last evaluated: 2024-06-27. Review status: criteria provided, single submitter. Criteria: ACMG Guidelines, 2015. Collection method: clinical testing. Allele origin: germline.

CeGaT Center for Human Genetics Tuebingen
Classification: Uncertain significance. Last evaluated: 2024-04-01. Review status: criteria provided, single submitter. Criteria: CeGaT Center For Human Genetics Tuebingen Variant Classification Criteria Version 2. Collection method: clinical testing. Allele origin: germline. Affected: yes. Observed: 1 variant allele.
Comment: COL9A2: PM2

GeneDx
Classification: Uncertain significance. Last evaluated: 2023-08-04. Review status: criteria provided, single submitter. Criteria: GeneDx Variant Classification Process June 2021. Collection method: clinical testing. Allele origin: germline. Affected: yes.
Comment: Has not been previously published as pathogenic or benign to our knowledge; In silico analysis supports that this missense variant has a deleterious effect on protein structure/function

Women's Health and Genetics/Laboratory Corporation of America, LabCorp
Classification: Uncertain significance. Last evaluated: 2020-05-11. Review status: criteria provided, single submitter. Criteria: LabCorp Variant Classification Summary - May 2015. Collection method: clinical testing. Allele origin: germline.
Comment: Variant summary: COL9A2 c.458C>T (p.Pro153Leu) results in a non-conservative amino acid change in the encoded protein sequence. Three of five in-silico tools predict a damaging effect of the variant on protein function. The variant allele was found at a frequency of 6.4e-05 in 250170 control chromosomes (gnomAD). This frequency is not higher than expected for a pathogenic variant in COL9A2 causing Epiphyseal dysplasia, multiple, 2 , allowing no conclusion about variant significance. To our knowledge, no occurrence of c.458C>T in individuals affected with Epiphyseal dysplasia, multiple, 2 and no experimental evidence demonstrating its impact on protein function have been reported. One clinical diagnostic laboratory has submitted clinical-significance assessments for this variant to ClinVar after 2014 without evidence for independent evaluation. One laboratory classified the variant as uncertain significance. Based on the evidence outlined above, the variant was classified as uncertain significance.

Illumina Laboratory Services, Illumina
Classification: Uncertain significance for Epiphyseal dysplasia, multiple, 2. Last evaluated: 2017-04-27. Review status: criteria provided, single submitter. Criteria: ICSL Variant Classification Criteria 13 December 2019. Collection method: clinical testing. Allele origin: germline.

Mayo Clinic Laboratories, Mayo Clinic
Classification: Uncertain significance for Stickler syndrome, type 5; Epiphyseal dysplasia, multiple, 2. Last evaluated: 2017-03-10. Review status: criteria provided, single submitter. Criteria: ACMG Guidelines, 2015. Collection method: clinical testing. Allele origin: paternal.

NM_001852.4(COL9A2):c.458C>T (p.Pro153Leu)

Gene: COL9A2 (collagen type IX alpha 2 chain; minus strand). Cytogenetic location: 1p34.2.
Variant type: single nucleotide variant.
Coding change: c.458C>T on transcript NM_001852.4 (MANE Select); coding-DNA position 458, C replaced by T.
Protein change: p.Pro153Leu; replaces proline 153 with leucine.
Molecular consequence: missense variant.
Genome position (GRCh38, 1-based): chr1:40,311,675, G>A on the plus strand (C>T on the coding strand, the complement: COL9A2 is on the minus strand). VCF-style: chr1-40311675-G-A. GRCh37 (hg19) VCF-style: chr1-40777347-G-A.
Other names: short protein forms P153L.
Identifiers: ClinVar variation 547939 (VCV000547939.44), dbSNP rs77937237, ClinGen allele CA791930.
Genomic context (GRCh38, chr1:40,311,675, plus strand): 5'-TCTCCTTCCCCTGCACTTTGCCATGTCGGGGGTCTGGGGACACTTACAGGTTTCCCAGGG[G>A]GTCCTGGGGGCCCCGATGGTCCATCTGGTCCAGGGTCCCCCTGGAAGCAAAAGAAGCCCA-3'
Protein context (NP_001843.1, residues 143-163): GPDGPSGPPG[Pro153Leu]PGKPGRPGTI